The following is an entry in ClinVar:

ClinVar aggregate classification (germline): Uncertain significance (1 of 4 stars; one submission).

Conditions:
Catecholaminergic polymorphic ventricular tachycardia 1. Also called: VENTRICULAR TACHYCARDIA, STRESS-INDUCED POLYMORPHIC 1; RYR2-Related Catecholaminergic Polymorphic Ventricular Tachycardia; VENTRICULAR TACHYCARDIA, CATECHOLAMINERGIC POLYMORPHIC, 1, WITH OR WITHOUT ATRIAL DYSFUNCTION AND/OR DILATED CARDIOMYOPATHY. Identifiers: Orphanet 3286, MedGen C1631597, MONDO:0011484, OMIM 604772.

Submission:

Labcorp Genetics (formerly Invitae), Labcorp
Classification: Uncertain significance for Catecholaminergic polymorphic ventricular tachycardia 1. Last evaluated: 2025-08-29. Review status: criteria provided, single submitter. Criteria: Invitae Variant Classification Sherloc (09022015). Collection method: clinical testing. Allele origin: germline.
Comment: This sequence change replaces threonine, which is neutral and polar, with isoleucine, which is neutral and non-polar, at codon 2832 of the RYR2 protein (p.Thr2832Ile). This variant is not present in population databases (gnomAD no frequency). This variant has not been reported in the literature in individuals affected with RYR2-related conditions. Invitae Evidence Modeling of protein sequence and biophysical properties (such as structural, functional, and spatial information, amino acid conservation, physicochemical variation, residue mobility, and thermodynamic stability) has been performed for this missense variant. However, the output from this modeling did not meet the statistical confidence thresholds required to predict the impact of this variant on RYR2 protein function. In summary, the available evidence is currently insufficient to determine the role of this variant in disease. Therefore, it has been classified as a Variant of Uncertain Significance.

NM_001035.3(RYR2):c.8495C>T (p.Thr2832Ile)

Gene: RYR2 (ryanodine receptor 2; plus strand). Cytogenetic location: 1q43.
Variant type: single nucleotide variant.
Coding change: c.8495C>T on transcript NM_001035.3 (MANE Select); coding-DNA position 8495, C replaced by T.
Protein change: p.Thr2832Ile; replaces threonine 2832 with isoleucine.
Molecular consequence: missense variant.
Genome position (GRCh38, 1-based): chr1:237,666,570, C>T. VCF-style: chr1-237666570-C-T. GRCh37 (hg19) VCF-style: chr1-237829870-C-T.
Other names: short protein forms T2832I.
Identifiers: ClinVar variation 4800094 (VCV004800094.1).